The following is an entry in ClinVar:

ClinVar aggregate classification (germline): Pathogenic (1 of 4 stars; one submission).

Conditions:
USH2A-related disorder. Also called: USH2A-related condition; USH2A-related disorders. Identifiers: MedGen CN239332.

Submission:

Myriad Genetics, Inc.
Classification: Pathogenic for USH2A-related disorder. Last evaluated: 2026-08-12. Review status: criteria provided, single submitter. Criteria: Myriad Autosomal Dominant, Autosomal Recessive and X-Linked Classification Criteria (2023). Collection method: clinical testing. Allele origin: unknown.
Comment: NM_206933.2(USH2A):c.1681_1682dupTT(R562Sfs*30) is expected to be pathogenic in the context of USH2A-related disorders. This variant is predicted to lead to an abnormal or absent protein product due to the creation of a premature termination codon in USH2A, a gene where loss-of-function variants are known to be pathogenic. Please note: this variant was assessed in the context of healthy population screening.

NM_206933.4(USH2A):c.1681_1682dup (p.Arg562fs)

Gene: USH2A (usherin; minus strand). Cytogenetic location: 1q41.
Variant type: Duplication.
Coding change: c.1681_1682dup on transcript NM_206933.4 (MANE Select); coding-DNA positions 1681 to 1682, 2 bases duplicated (TT; older notation c.1681_1682dupTT).
Protein change: p.Arg562fs; shifts the reading frame from arginine 562.
Molecular consequence: frameshift variant.
Genome position (GRCh38, 1-based): chr1:216,292,333-216,292,334, AA duplicated on the plus strand (TT on the coding strand, the reverse complement: USH2A is on the minus strand); duplicating any 2 consecutive bases within chr1:216,292,333-216,292,335 gives the same sequence; the c. name uses the placement nearest the transcript's 3' end. VCF-style (leftmost placement, unchanged base first): chr1-216292332-G-GAA. GRCh37 (hg19) VCF-style: chr1-216465674-G-GAA.
Other names: c.1681_1682dup, p.Arg562fs (NM_007123.6); short protein forms R562fs.
Identifiers: ClinVar variation 5016229 (VCV005016229.1).
Genomic context (GRCh38, chr1:216,292,332, plus strand): 5'-GGAATGGCTGTTGCATTGACAAGGTTTACAATTGAAAGCGTAAACTTGATCACCTTGGCG[G>GAA]AAAGGCTTGTCATTATAAAGAGGCAAGCAGCGATCACACTAGAACAAAAAATATCAGAAC-3'